The following is an entry in ClinVar:

ClinVar aggregate classification (germline): Conflicting classifications of pathogenicity. Review status: criteria provided, conflicting classifications (1 of 4 stars). 8 submissions from 7 submitters: Uncertain significance (3); Likely benign (4). 1 of the submissions does not count toward it. Last evaluated 2026-02-18.

Conditions:
Alternating hemiplegia of childhood 2 (AHC2). Also called: Alternating Hemiplegia of Childhood (AHC). Identifiers: Orphanet 2131, MedGen C3553788, MONDO:0013900, OMIM 614820.
Dystonia 12 (DYT12). Also called: DYT-ATP1A3; Rapid-Onset Dystonia-Parkinsonism (RDP). Identifiers: Orphanet 71517, MedGen C1868681, MONDO:0007496, OMIM 128235.
Inborn genetic diseases. Identifiers: MedGen C0950123, MeSH D030342.
ATP1A3-related disorder. Also called: ATP1A3-related condition; ATP1A3-related disorders. Identifiers: MedGen CN381097.

Allele frequency attached by ClinVar (database versions not stated): gnomAD 0.00006; gnomAD exomes 0.00007; ExAC 0.00004; TOPMed 0.00005.
gnomAD v4.1: 268 of 1,614,046 alleles (0.017%); highest among the groups gnomAD compares: Non-Finnish European, 0.022%; no homozygotes.

Submissions (8):

Women's Health and Genetics/Laboratory Corporation of America, LabCorp
Classification: Uncertain significance. Last evaluated: 2026-02-18. Review status: criteria provided, single submitter. Criteria: LabCorp Variant Classification Summary - May 2015. Collection method: clinical testing. Allele origin: germline.
Comment: Variant summary: ATP1A3 c.55C>T (p.Arg19Cys) results in a non-conservative amino acid change in the encoded protein sequence. Algorithms developed to predict the effect of missense changes on protein structure and function all suggest that this variant is likely to be disruptive. The variant allele was found at a frequency of 6.8e-05 in 251492 control chromosomes. This frequency is not significantly higher than estimated for disease-causing variants in ATP1A3, allowing no conclusion about variant significance. c.55C>T has been observed in at least one individual affected with severe obstructive congenital hydrocephalus without strong evidence for causality (e.g. Allocco_2019). These report(s) do not provide unequivocal conclusions about association of the variant with ATP1A3-Related Disorders. To our knowledge, no experimental evidence demonstrating an impact on protein function has been reported. The following publication has been ascertained in the context of this evaluation (PMID: 31616254). ClinVar contains an entry for this variant (Variation ID: 648593). Based on the evidence outlined above, the variant was classified as uncertain significance.

Labcorp Genetics (formerly Invitae), Labcorp
Classification: Likely benign for Dystonia 12. Last evaluated: 2026-01-15. Review status: criteria provided, single submitter. Criteria: Invitae Variant Classification Sherloc (09022015). Collection method: clinical testing. Allele origin: germline.

CeGaT Center for Human Genetics Tuebingen
Classification: Likely benign. Last evaluated: 2025-12-01. Review status: criteria provided, single submitter. Criteria: CeGaT Center For Human Genetics Tuebingen Variant Classification Criteria Version 2. Collection method: clinical testing. Allele origin: germline. Affected: yes. Observed: 1 variant allele.
Comment: ATP1A3: BS1

Ambry Genetics
Classification: Likely benign for Inborn genetic diseases. Last evaluated: 2025-03-24. Review status: criteria provided, single submitter. Criteria: Ambry Variant Classification Scheme 2023. Collection method: clinical testing. Allele origin: germline.

PreventionGenetics, part of Exact Sciences
Classification: Likely benign for ATP1A3-related condition. Last evaluated: 2025-02-27. Review status: criteria provided, single submitter. Criteria: ACMG Guidelines, 2015. Collection method: clinical testing. Allele origin: germline.
Comment: This variant is classified as likely benign based on ACMG/AMP sequence variant interpretation guidelines (Richards et al. 2015 PMID: 25741868, with internal and published modifications).

Illumina Laboratory Services, Illumina
Classification: Uncertain significance for Dystonia 12. Last evaluated: 2017-04-27. Review status: criteria provided, single submitter. Criteria: ICSL Variant Classification Criteria 13 December 2019. Collection method: clinical testing. Allele origin: germline.

Illumina Laboratory Services, Illumina
Classification: Uncertain significance for Alternating hemiplegia of childhood 2. Last evaluated: 2017-04-27. Review status: criteria provided, single submitter. Criteria: ICSL Variant Classification Criteria 13 December 2019. Collection method: clinical testing. Allele origin: germline.

OMIM
Classification: Uncertain significance for VARIANT OF UNKNOWN SIGNIFICANCE. Last evaluated: 2024-07-10. Review status: no assertion criteria provided. Collection method: literature only. Allele origin: germline. Not counted in ClinVar's aggregate classification.

Literature cited by the submitters: PubMed 31616254 (cited by Women's Health and Genetics/Laboratory Corporation of America, LabCorp and OMIM).

NM_152296.5(ATP1A3):c.55C>T (p.Arg19Cys)

Gene: ATP1A3 (ATPase Na+/K+ transporting subunit alpha 3; minus strand). Cytogenetic location: 19q13.2.
Variant type: single nucleotide variant.
Coding change: c.55C>T on transcript NM_152296.5 (MANE Select); coding-DNA position 55, C replaced by T.
Protein change: p.Arg19Cys; replaces arginine 19 with cysteine.
Molecular consequence: missense variant.
Genome position (GRCh38, 1-based): chr19:41,988,514, G>A on the plus strand (C>T on the coding strand, the complement: ATP1A3 is on the minus strand). VCF-style: chr19-41988514-G-A. GRCh37 (hg19) VCF-style: chr19-42492666-G-A.
Other names: c.55C>T (NM_152296.3); c.94C>T (NM_001256214.1); c.88C>T, p.Arg30Cys (NM_001256213.2); c.94C>T, p.Arg32Cys (NM_001256214.2); short protein forms R30C, R19C, R32C.
Identifiers: ClinVar variation 648593 (VCV000648593.25), dbSNP rs782229302, ClinGen allele CA9467977.
Genomic context (GRCh38, chr19:41,988,514, plus strand): 5'-GCGGGCAGAGGGCGAGGCTTACCATAGCCACCTCCTTCTTGAGGTCATCCAGGTCCCGGC[G>A]CTCCTTGCCCTTGTTCTTCTTGGGTGAGTCCTTGTCATCTTTCTTGTCCTGCGAGGTGGC-3'
Protein context (NP_689509.1, residues 9-29): DSPKKNKGKE[Arg19Cys]RDLDDLKKEV